The following is an entry in ClinVar:

ClinVar aggregate classification (germline): Uncertain significance. Review status: criteria provided, multiple submitters, no conflicts (2 of 4 stars). 2 submissions from 2 submitters: Uncertain significance (2). Last evaluated 2024-06-24.

Conditions:
Cardiovascular phenotype. Identifiers: MedGen CN230736.

Allele frequency attached by ClinVar (database versions not stated): ExAC 0.00001; TOPMed 0.00002; gnomAD 0.00003; gnomAD exomes 0.00003.
gnomAD v4.1: 50 of 1,613,856 alleles (0.0031%); highest among the groups gnomAD compares: Non-Finnish European, 0.0042%; no homozygotes.

Submissions (2):

GeneDx
Classification: Uncertain significance. Last evaluated: 2024-06-24. Review status: criteria provided, single submitter. Criteria: GeneDx Variant Classification Process June 2021. Collection method: clinical testing. Allele origin: germline. Affected: yes.
Comment: Not observed at significant frequency in large population cohorts (gnomAD); In silico analysis supports that this missense variant has a deleterious effect on protein structure/function; Has not been previously published as pathogenic or benign to our knowledge

Ambry Genetics
Classification: Uncertain significance for Cardiovascular phenotype. Last evaluated: 2023-11-21. Review status: criteria provided, single submitter. Criteria: Ambry Variant Classification Scheme 2023. Collection method: clinical testing. Allele origin: germline.
Comment: The p.L3665S variant (also known as c.10994T>C), located in coding exon 26 of the APOB gene, results from a T to C substitution at nucleotide position 10994. The leucine at codon 3665 is replaced by serine, an amino acid with dissimilar properties. This amino acid position is conserved. In addition, this alteration is predicted to be tolerated by in silico analysis. Since supporting evidence is limited at this time, the clinical significance of this alteration remains unclear.

NM_000384.3(APOB):c.10994T>C (p.Leu3665Ser)

Gene: APOB (apolipoprotein B; minus strand). Cytogenetic location: 2p24.1.
Variant type: single nucleotide variant.
Coding change: c.10994T>C on transcript NM_000384.3 (MANE Select); coding-DNA position 10994, T replaced by C.
Protein change: p.Leu3665Ser; replaces leucine 3665 with serine.
Molecular consequence: missense variant.
Genome position (GRCh38, 1-based): chr2:21,005,874, A>G on the plus strand (T>C on the coding strand, the complement: APOB is on the minus strand). VCF-style: chr2-21005874-A-G. GRCh37 (hg19) VCF-style: chr2-21228746-A-G.
Other names: short protein forms L3665S.
Identifiers: ClinVar variation 3231361 (VCV003231361.2), dbSNP rs772922974, ClinGen allele CA045318.